The following is an entry in ClinVar:

ClinVar aggregate classification (germline): Likely benign (0 of 4 stars; one submission).

Conditions:
SLC4A4-related disorder. Also called: SLC4A4-related condition.

gnomAD v4.1: 122 of 1,612,674 alleles (0.0076%); highest among the groups gnomAD compares: Non-Finnish European, 0.01%; no homozygotes.

Submission:

PreventionGenetics, part of Exact Sciences
Classification: Likely benign for SLC4A4-related condition. Last evaluated: 2024-09-24. Review status: no assertion criteria provided. Collection method: clinical testing. Allele origin: germline.
Comment: This variant is classified as likely benign based on ACMG/AMP sequence variant interpretation guidelines (Richards et al. 2015 PMID: 25741868, with internal and published modifications).

NM_001098484.3(SLC4A4):c.1662C>T (p.Arg554=)

Genes: SLC4A4 (solute carrier family 4 member 4; plus strand), LOC126807073 (MED14-independent group 3 enhancer GRCh37_chr4:72338203-72339402; plus strand). Cytogenetic location: 4q13.3.
Variant type: single nucleotide variant.
Coding change: c.1662C>T on transcript NM_001098484.3 (MANE Select); coding-DNA position 1662, C replaced by T.
Protein change: p.Arg554=; no amino-acid change (arginine 554 retained).
Molecular consequence: synonymous variant.
Genome position (GRCh38, 1-based): chr4:71,472,729, C>T. VCF-style: chr4-71472729-C-T. GRCh37 (hg19) VCF-style: chr4-72338446-C-T.
Other names: c.1662C>T, p.Arg554= (NM_001134742.2); c.1530C>T, p.Arg510= (NM_003759.4).
Identifiers: ClinVar variation 3351083 (VCV003351083.1).
Genomic context (GRCh38, chr4:71,472,729, plus strand): 5'-AATCTAAACATTTTTCTTTCTTTTTTCCAGGGACAATAATTTTGACTATTTGGAGTTTCG[C>T]CTTTGGATTGGCCTGTGGTCCGCCTTCCTATGTCTCATTTTGGTAGCCACTGATGCCAGC-3'
Protein context (NP_001091954.1, residues 544-564): KDNNFDYLEF[Arg554=]LWIGLWSAFL